The following is an entry in ClinVar:

ClinVar aggregate classification (germline): Uncertain significance (1 of 4 stars; one submission).

Conditions:
Tuberous sclerosis 1 (TSC1). Identifiers: Orphanet 805, MedGen C1854465, MONDO:0008612, OMIM 191100.

Submission:

Labcorp Genetics (formerly Invitae), Labcorp
Classification: Uncertain significance for Tuberous sclerosis 1. Last evaluated: 2024-02-24. Review status: criteria provided, single submitter. Criteria: Invitae Variant Classification Sherloc (09022015). Collection method: clinical testing. Allele origin: germline.
Comment: This sequence change falls in intron 6 of the TSC1 gene. It does not directly change the encoded amino acid sequence of the TSC1 protein. It affects a nucleotide within the consensus splice site. This variant is not present in population databases (gnomAD no frequency). This variant has not been reported in the literature in individuals affected with TSC1-related conditions. ClinVar contains an entry for this variant (Variation ID: 2119341). Variants that disrupt the consensus splice site are a relatively common cause of aberrant splicing (PMID: 17576681, 9536098). Algorithms developed to predict the effect of sequence changes on RNA splicing suggest that this variant is not likely to affect RNA splicing. In summary, the available evidence is currently insufficient to determine the role of this variant in disease. Therefore, it has been classified as a Variant of Uncertain Significance.

Literature cited by the submitters: PubMed 17576681; PubMed 9536098.

NM_000368.5(TSC1):c.508+5A>G

Gene: TSC1 (TSC complex subunit 1; minus strand). Cytogenetic location: 9q34.13.
Variant type: single nucleotide variant.
Coding change: c.508+5A>G on transcript NM_000368.5 (MANE Select); 5 bases into the intron after coding-DNA position 508, A replaced by G.
Molecular consequence: intron variant.
Genome position (GRCh38, 1-based): chr9:132,923,343, T>C on the plus strand (A>G on the coding strand, the complement: TSC1 is on the minus strand). VCF-style: chr9-132923343-T-C. GRCh37 (hg19) VCF-style: chr9-135798730-T-C.
Other names: c.145+5A>G (NM_001362177.2); c.355+5A>G (NM_001162427.2); c.508+5A>G (NM_001162426.2).
Identifiers: ClinVar variation 2119341 (VCV002119341.4), dbSNP rs2539036065, ClinGen allele CA2580080038.